The following is an entry in ClinVar:

ClinVar aggregate classification (germline): Likely benign. Review status: criteria provided, multiple submitters, no conflicts (2 of 4 stars). 3 submissions from 3 submitters: Likely benign (3). Last evaluated 2024-09-23.

Conditions:
Hereditary cancer-predisposing syndrome. Also called: Hereditary neoplastic syndrome; Hereditary Cancer Syndrome; Neoplastic Syndromes, Hereditary; Tumor predisposition. Identifiers: Orphanet 140162, MedGen C0027672, MeSH D009386, MONDO:0015356.
Hereditary diffuse gastric adenocarcinoma (HDGC). Also called: DIFFUSE GASTRIC AND LOBULAR BREAST CANCER SYNDROME. Identifiers: Orphanet 26106, MedGen C1708349, MONDO:0007648, OMIM 137215.

Submissions (3):

Myriad Genetics, Inc.
Classification: Likely benign for Hereditary diffuse gastric adenocarcinoma. Last evaluated: 2024-09-23. Review status: criteria provided, single submitter. Criteria: Myriad Autosomal Dominant, Autosomal Recessive and X-Linked Classification Criteria (2023). Collection method: clinical testing. Allele origin: unknown.
Comment: This variant is considered likely benign. This variant is intronic and is not expected to impact mRNA splicing.

Color Diagnostics, LLC DBA Color Health
Classification: Likely benign for Hereditary cancer-predisposing syndrome. Last evaluated: 2024-04-29. Review status: criteria provided, single submitter. Criteria: ACMG Guidelines, 2015. Collection method: clinical testing. Allele origin: germline.

Labcorp Genetics (formerly Invitae), Labcorp
Classification: Likely benign for Hereditary diffuse gastric adenocarcinoma. Last evaluated: 2023-10-28. Review status: criteria provided, single submitter. Criteria: Invitae Variant Classification Sherloc (09022015). Collection method: clinical testing. Allele origin: germline.

NM_004360.5(CDH1):c.2296-7T>C

Gene: CDH1 (cadherin 1; plus strand). Cytogenetic location: 16q22.1.
Variant type: single nucleotide variant.
Coding change: c.2296-7T>C on transcript NM_004360.5 (MANE Select); 7 bases into the intron before coding-DNA position 2296, T replaced by C.
Molecular consequence: intron variant.
Genome position (GRCh38, 1-based): chr16:68,829,647, T>C. VCF-style: chr16-68829647-T-C. GRCh37 (hg19) VCF-style: chr16-68863550-T-C.
Other names: c.748-7T>C (NM_001317185.2); c.331-7T>C (NM_001317186.2); c.2113-7T>C (NM_001317184.2).
Identifiers: ClinVar variation 3008993 (VCV003008993.5), dbSNP rs2152142195, ClinGen allele CA2732920038.
Genomic context (GRCh38, chr16:68,829,647, plus strand): 5'-CATAGCCCTGTGTGTATGACTATTTCTTTCCTACTCTTCATTGTACTTCAACCTTTTTTC[T>C]CCAAAGGACTTTGACTTGAGCCAGCTGCACAGGGGCCTGGACGCTCGGCCTGAAGTGACT-3'